The following is an entry in ClinVar:

ClinVar aggregate classification (germline): Pathogenic (1 of 4 stars; one submission).

Conditions:
Hereditary breast ovarian cancer syndrome. Also called: Hereditary breast and/or ovarian cancer syndrome; BRCA1- and BRCA2-Associated Hereditary Breast and Ovarian Cancer; Breast and ovarian cancer; Hereditary breast and ovarian cancer; Hereditary breast and ovarian cancer syndrome (HBOC); Hereditary breast and ovarian cancer syndrome. Identifiers: Orphanet 145, MedGen C0677776, MeSH D061325, MONDO:0003582. Disease mechanism: loss of function.

Submission:

Labcorp Genetics (formerly Invitae), Labcorp
Classification: Pathogenic for Hereditary breast ovarian cancer syndrome. Last evaluated: 2022-10-16. Review status: criteria provided, single submitter. Criteria: Invitae Variant Classification Sherloc (09022015). Collection method: clinical testing. Allele origin: germline.
Comment: This sequence change creates a premature translational stop signal (p.Ser2360Ilefs*5) in the BRCA2 gene. It is expected to result in an absent or disrupted protein product. Loss-of-function variants in BRCA2 are known to be pathogenic (PMID: 20104584). For these reasons, this variant has been classified as Pathogenic. This variant has not been reported in the literature in individuals affected with BRCA2-related conditions. This variant is not present in population databases (gnomAD no frequency).

Literature cited by the submitters: PubMed 20104584.

NM_000059.4(BRCA2):c.7077dup (p.Ser2360fs)

Gene: BRCA2 (BRCA2 DNA repair associated; plus strand). Cytogenetic location: 13q13.1.
Variant type: Duplication.
Coding change: c.7077dup on transcript NM_000059.4 (MANE Select); coding-DNA position 7077, one base duplicated (A; older notation c.7077dupA).
Protein change: p.Ser2360fs; shifts the reading frame from serine 2360.
Molecular consequence: frameshift variant.
Genome position (GRCh38, 1-based): chr13:32,354,930, A duplicated; the last of 3 consecutive A bases (chr13:32,354,928-32,354,930); duplicating any one gives the same sequence. VCF-style (leftmost placement, unchanged base first): chr13-32354927-T-TA. GRCh37 (hg19) VCF-style: chr13-32929064-T-TA.
Other names: c.6981dup, p.Ser2328Ilefs (NM_001406719.1); c.7077dup, p.Ser2360Ilefs (NM_001406720.1); c.2145dup, p.Ser716Ilefs (NM_001406721.1); c.660dup, p.Ser221Ilefs (NM_001406722.1); short protein forms S2360fs.
Identifiers: ClinVar variation 2035742 (VCV002035742.4), dbSNP rs2548540064, ClinGen allele CA2580087383.